The following is an entry in ClinVar:

ClinVar aggregate classification (germline): Benign/Likely benign. Review status: criteria provided, multiple submitters, no conflicts (2 of 4 stars). 8 submissions from 8 submitters: Benign (5); Likely benign (1). 2 of the submissions do not count toward it. Last evaluated 2026-02-04.

Conditions:
Noonan syndrome (NS). Also called: Noonan's syndrome. Identifiers: Orphanet 648, MedGen C0028326, MeSH D009634, MONDO:0018997. Disease mechanism: gain of function.

Allele frequency attached by ClinVar (database versions not stated): gnomAD exomes 0.67846 and 0.70739; ESP Exome Variant Server 0.69683; ExAC 0.70340; gnomAD 0.71681 and 0.71974; TOPMed 0.72714; 1000 Genomes Project 30x 0.73626; 1000 Genomes Project 0.73822.
gnomAD v4.1: 1,100,106 of 1,612,212 alleles (68%); highest among the groups gnomAD compares: East Asian, 83%; 377,521 homozygotes.

Submissions (8):

Labcorp Genetics (formerly Invitae), Labcorp
Classification: Benign for Noonan syndrome. Last evaluated: 2026-02-04. Review status: criteria provided, single submitter. Criteria: Invitae Variant Classification Sherloc (09022015). Collection method: clinical testing. Allele origin: germline.

Blueprint Genetics
Classification: Likely benign. Last evaluated: 2024-11-28. Review status: criteria provided, single submitter. Criteria: ACMG Guidelines, 2015. Collection method: clinical testing. Allele origin: germline.

Laboratory for Molecular Medicine, Mass General Brigham Personalized Medicine
Classification: Benign. Last evaluated: 2018-12-28. Review status: criteria provided, single submitter. Criteria: LMM Criteria. Collection method: clinical testing. Allele origin: germline. Observed: 13 variant alleles.
Comment: p.Asn111Asn in exon 3 of RRAS: This variant is not expected to have clinical significance because it does not alter an amino acid residue, is not located within the splice consensus sequence, and has been identified in 84.20% (9744/11572) of Latino chromosomes by the Exome Aggregation Consortium (ExAC; dbSNP rs1865077).

GeneDx
Classification: Benign. Last evaluated: 2018-09-06. Review status: criteria provided, single submitter. Criteria: GeneDx Variant Classification Process June 2021. Collection method: clinical testing. Allele origin: germline. Affected: yes.

Women's Health and Genetics/Laboratory Corporation of America, LabCorp
Classification: Benign. Last evaluated: 2017-04-11. Review status: criteria provided, single submitter. Criteria: LabCorp Variant Classification Summary - May 2015. Collection method: clinical testing. Allele origin: germline.
Comment: Variant summary: The RRAS c.333C>T (p.Asn111Asn) variant involves the alteration of a non-conserved nucleotide, resulting in a synonymous change. Mutation taster predicts a polymorphism outcome for this variant. 5/5 splice prediction tools predict no significant impact on normal splicing. ESE finder predicts that this variant may affect ESE site of SF2/ASF. This variant was found in 85345/121332 control chromosomes from ExAC (including 30402 homozygotes) at a frequency of 0.7034006, thus allele T is the major allele at this position. Therefore, this variant is classified as Benign.

Breakthrough Genomics
Classification: Benign. Review status: criteria provided, single submitter. Criteria: ACMG Guidelines, 2015. Collection method: not provided. Allele origin: germline. Inheritance: Unknown mechanism. Affected: yes.

Clinical Genetics, Academic Medical Center
Classification: Benign. Review status: no assertion criteria provided. Collection method: clinical testing. Allele origin: germline. Affected: yes. Study: VKGL Data-share Consensus. Not counted in ClinVar's aggregate classification.

Joint Genome Diagnostic Labs from Nijmegen and Maastricht, Radboudumc and MUMC+
Classification: Benign. Review status: no assertion criteria provided. Collection method: clinical testing. Allele origin: germline. Affected: yes. Study: VKGL Data-share Consensus. Not counted in ClinVar's aggregate classification.

NM_006270.5(RRAS):c.333C>T (p.Asn111=)

Gene: RRAS (RAS related; minus strand). Cytogenetic location: 19q13.33.
Variant type: single nucleotide variant.
Coding change: c.333C>T on transcript NM_006270.5 (MANE Select); coding-DNA position 333, C replaced by T.
Protein change: p.Asn111=; no amino-acid change (asparagine 111 retained).
Molecular consequence: synonymous variant.
Genome position (GRCh38, 1-based): chr19:49,636,835, G>A on the plus strand (C>T on the coding strand, the complement: RRAS is on the minus strand). VCF-style: chr19-49636835-G-A. GRCh37 (hg19) VCF-style: chr19-50140092-G-A.
Identifiers: ClinVar variation 496315 (VCV000496315.22), dbSNP rs1865077, ClinGen allele CA9579072.